The following is an entry in ClinVar:

NM_001378609.3(OTOGL):c.2492G>T (p.Cys831Phe)

Gene: OTOGL (otogelin like; plus strand). Cytogenetic location: 12q21.31.
Variant type: single nucleotide variant.
Coding change: c.2492G>T on transcript NM_001378609.3 (MANE Select); coding-DNA position 2492, G replaced by T.
Protein change: p.Cys831Phe; replaces cysteine 831 with phenylalanine.
Molecular consequence: missense variant.
Genome position (GRCh38, 1-based): chr12:80,270,128, G>T. VCF-style: chr12-80270128-G-T. GRCh37 (hg19) VCF-style: chr12-80663908-G-T.
Other names: c.2465G>T (NM_173591.3); c.2492G>T, p.Cys831Phe (NM_001368062.3, NM_001378610.3, NM_173591.7); short protein forms C831F.
Identifiers: ClinVar variation 1355171 (VCV001355171.7), dbSNP rs993419539, ClinGen allele CA240212017.

ClinVar aggregate classification (germline): Uncertain significance. Review status: criteria provided, multiple submitters, no conflicts (2 of 4 stars). 2 submissions from 2 submitters: Uncertain significance (2). Last evaluated 2025-01-02.

Conditions:
Inborn genetic diseases. Identifiers: MedGen C0950123, MeSH D030342.

Allele frequency attached by ClinVar (database versions not stated): gnomAD 0.00002; TOPMed 0.00002.
gnomAD v4.1: 6 of 1,605,188 alleles (0.00037%); highest among the groups gnomAD compares: African/African-American, 0.008%; no homozygotes.

Submissions (2):

Ambry Genetics
Classification: Uncertain significance for Inborn genetic diseases. Last evaluated: 2025-01-02. Review status: criteria provided, single submitter. Criteria: Ambry Variant Classification Scheme 2023. Collection method: clinical testing. Allele origin: germline.

Labcorp Genetics (formerly Invitae), Labcorp
Classification: Uncertain significance. Last evaluated: 2022-07-06. Review status: criteria provided, single submitter. Criteria: Invitae Variant Classification Sherloc (09022015). Collection method: clinical testing. Allele origin: germline.
Comment: In summary, the available evidence is currently insufficient to determine the role of this variant in disease. Therefore, it has been classified as a Variant of Uncertain Significance. Algorithms developed to predict the effect of missense changes on protein structure and function are either unavailable or do not agree on the potential impact of this missense change (SIFT: "Deleterious"; PolyPhen-2: "Probably Damaging"; Align-GVGD: "Class C0"). ClinVar contains an entry for this variant (Variation ID: 1355171). This variant has not been reported in the literature in individuals affected with OTOGL-related conditions. This variant is present in population databases (no rsID available, gnomAD 0.01%). This sequence change replaces cysteine, which is neutral and slightly polar, with phenylalanine, which is neutral and non-polar, at codon 822 of the OTOGL protein (p.Cys822Phe).